The following is an entry in ClinVar:

NM_007294.4(BRCA1):c.2828A>G (p.Lys943Arg)

Gene: BRCA1 (BRCA1 DNA repair associated; minus strand). Cytogenetic location: 17q21.31.
Variant type: single nucleotide variant.
Coding change: c.2828A>G on transcript NM_007294.4 (MANE Select); coding-DNA position 2828, A replaced by G.
Protein change: p.Lys943Arg; replaces lysine 943 with arginine.
Molecular consequence: missense variant. On other transcripts: intron variant (137).
Genome position (GRCh38, 1-based): chr17:43,092,703, T>C on the plus strand (A>G on the coding strand, the complement: BRCA1 is on the minus strand). VCF-style: chr17-43092703-T-C. GRCh37 (hg19) VCF-style: chr17-41244720-T-C.
Other names: c.2564A>G, p.Lys855Arg (NM_001407921.1, NM_001407922.1, NM_001407923.1 and 9 more transcripts); c.2561A>G, p.Lys854Arg (NM_001407930.1, NM_001407931.1, NM_001407932.1 and 2 more transcripts); c.2705A>G, p.Lys902Arg (NM_001407939.1, NM_001407937.1, NM_001407938.1 and 19 more transcripts); c.2702A>G, p.Lys901Arg (NM_001407940.1, NM_001407941.1, NM_001407649.1 and 11 more transcripts); c.2687A>G, p.Lys896Arg (NM_001407944.1, NM_001407945.1, NM_001407942.1 and 29 more transcripts); c.2495A>G, p.Lys832Arg (NM_001407946.1, NM_001407947.1, NM_001407948.1 and 6 more transcripts); c.2684A>G, p.Lys895Arg (NM_001407943.1, NM_001407740.1, NM_001407741.1 and 20 more transcripts); c.2615A>G, p.Lys872Arg (NM_001407571.1, NM_001407853.1, NM_001407894.1 and 9 more transcripts); and 41 more; short protein forms K896R, K943R, K816R, K872R, K916R, K775R, K831R, K895R.
Identifiers: ClinVar variation 1040298 (VCV001040298.20), dbSNP rs2053689894, ClinGen allele CA10596334.
Genomic context (GRCh38, chr17:43,092,703, plus strand): 5'-GTTTCGTTGCCTCTGAACTGAGATGATAGACAAAACCTAGAGCCTCCTTTGATACTACAT[T>C]TGGCATTATCAACTGGCTTATCTTTCTGACCAACCACAGGAAAGCCTGCAGTGATATTAA-3'
Protein context (NP_009225.1, residues 933-953): GQKDKPVDNA[Lys943Arg]CSIKGGSRFC

ClinVar aggregate classification (germline): Conflicting classifications of pathogenicity. Review status: criteria provided, conflicting classifications (1 of 4 stars). 2 submissions from 2 submitters: Uncertain significance (1); Likely benign (1). Last evaluated 2023-03-23.

Conditions:
Hereditary cancer-predisposing syndrome. Also called: Hereditary Cancer Syndrome; Tumor predisposition; Hereditary neoplastic syndrome; Neoplastic Syndromes, Hereditary. Identifiers: Orphanet 140162, MedGen C0027672, MeSH D009386, MONDO:0015356.
Hereditary breast ovarian cancer syndrome. Also called: Hereditary breast and ovarian cancer syndrome (HBOC); Breast and ovarian cancer; Hereditary breast and ovarian cancer syndrome; Hereditary breast and ovarian cancer; Hereditary breast and/or ovarian cancer syndrome; BRCA1- and BRCA2-Associated Hereditary Breast and Ovarian Cancer. Identifiers: Orphanet 145, MedGen C0677776, MeSH D061325, MONDO:0003582. Disease mechanism: loss of function.

Submissions (2):

University of Washington Department of Laboratory Medicine, University of Washington
Classification: Likely benign for Hereditary cancer-predisposing syndrome. Last evaluated: 2023-03-23. Review status: criteria provided, single submitter. Criteria: Dines et al. (Genet Med. 2020). Collection method: curation. Allele origin: germline.
Comment: Missense variant in a coldspot region where missense variants are very unlikely to be pathogenic (PMID:31911673).

BRCA1 coldspot (exon 11 using historical exon numbering). Reclassification based on statistical prior probability

Labcorp Genetics (formerly Invitae), Labcorp
Classification: Uncertain significance for Hereditary breast ovarian cancer syndrome. Last evaluated: 2020-02-19. Review status: criteria provided, single submitter. Criteria: Invitae Variant Classification Sherloc (09022015). Collection method: clinical testing. Allele origin: germline.
Comment: This sequence change replaces lysine with arginine at codon 943 of the BRCA1 protein (p.Lys943Arg). The lysine residue is moderately conserved and there is a small physicochemical difference between lysine and arginine. This variant is not present in population databases (ExAC no frequency). In summary, the available evidence is currently insufficient to determine the role of this variant in disease. Therefore, it has been classified as a Variant of Uncertain Significance. Algorithms developed to predict the effect of missense changes on protein structure and function are either unavailable or do not agree on the potential impact of this missense change (SIFT: "Tolerated"; PolyPhen-2: "Possibly Damaging"; Align-GVGD: "Class C0"). This variant has not been reported in the literature in individuals with BRCA1-related conditions.